The following is an entry in ClinVar:

ClinVar aggregate classification (germline): Uncertain significance (1 of 4 stars; one submission).

Conditions:
Waardenburg syndrome type 2A (WS2A). Also called: WAARDENBURG SYNDROME WITHOUT DYSTOPIA CANTHORUM. Identifiers: Orphanet 3440, MedGen C1860339, MONDO:0008671, OMIM 193510.
Tietz syndrome (TADS). Also called: ALBINISM-DEAFNESS OF TIETZ; HYPOPIGMENTATION/DEAFNESS OF TIETZ; TIETZ ALBINISM-DEAFNESS SYNDROME. Identifiers: Orphanet 42665, MedGen C0391816, MONDO:0007077, OMIM 103500.
Melanoma, cutaneous malignant, susceptibility to, 8. Also called: MELANOMA AND RENAL CELL CARCINOMA, SUSCEPTIBILITY TO; Cutaneous malignant melanoma 8. Identifiers: Orphanet 293822, MedGen C3152204, MONDO:0013759, OMIM 614456.

Submission:

Labcorp Genetics (formerly Invitae), Labcorp
Classification: Uncertain significance for Melanoma, cutaneous malignant, susceptibility to, 8; Waardenburg syndrome type 2A; Tietz syndrome. Last evaluated: 2025-06-02. Review status: criteria provided, single submitter. Criteria: Invitae Variant Classification Sherloc (09022015). Collection method: clinical testing. Allele origin: germline.
Comment: This sequence change replaces valine, which is neutral and non-polar, with alanine, which is neutral and non-polar, at codon 65 of the MITF protein (p.Val65Ala). This variant is not present in population databases (gnomAD no frequency). This variant has not been reported in the literature in individuals affected with MITF-related conditions. ClinVar contains an entry for this variant (Variation ID: 3752411). Invitae Evidence Modeling of protein sequence and biophysical properties (such as structural, functional, and spatial information, amino acid conservation, physicochemical variation, residue mobility, and thermodynamic stability) indicates that this missense variant is not expected to disrupt MITF protein function with a negative predictive value of 80%. In summary, the available evidence is currently insufficient to determine the role of this variant in disease. Therefore, it has been classified as a Variant of Uncertain Significance.

NM_001354604.2(MITF):c.515T>C (p.Val172Ala)

Gene: MITF (melanocyte inducing transcription factor; plus strand). Cytogenetic location: 3p13.
Variant type: single nucleotide variant.
Coding change: c.515T>C on transcript NM_001354604.2 (MANE Select); coding-DNA position 515, T replaced by C.
Protein change: p.Val172Ala; replaces valine 172 with alanine.
Molecular consequence: missense variant. On other transcripts: intron variant (1).
Genome position (GRCh38, 1-based): chr3:69,937,982, T>C. VCF-style: chr3-69937982-T-C. GRCh37 (hg19) VCF-style: chr3-69987133-T-C.
Other names: c.194T>C, p.Val65Ala (NM_000248.4, NM_001184968.2, NM_198158.3); c.359T>C, p.Val120Ala (NM_001184967.2, NM_001354608.2); c.512T>C, p.Val171Ala (NM_001354605.2, NM_001354606.2, NM_006722.3); c.464T>C, p.Val155Ala (NM_001354607.2); c.515T>C, p.Val172Ala (NM_198159.3); c.467T>C, p.Val156Ala (NM_198177.3); c.93+101T>C (NM_198178.3); short protein forms V120A, V155A, V156A, V171A, V172A, V65A.
Identifiers: ClinVar variation 3752411 (VCV003752411.2).